The following is an entry in ClinVar:

NM_017763.6(RNF43):c.687+5G>T

Gene: RNF43 (ring finger protein 43; minus strand). Cytogenetic location: 17q22.
Variant type: single nucleotide variant.
Coding change: c.687+5G>T on transcript NM_017763.6 (MANE Select); 5 bases into the intron after coding-DNA position 687, G replaced by T.
Molecular consequence: intron variant.
Genome position (GRCh38, 1-based): chr17:58,362,539, C>A on the plus strand (G>T on the coding strand, the complement: RNF43 is on the minus strand). VCF-style: chr17-58362539-C-A. GRCh37 (hg19) VCF-style: chr17-56439900-C-A.
Other names: c.687+5G>T (NM_001438822.1, NM_001305544.3, NM_001438820.1 and 1 more transcripts); c.306+5G>T (NM_001305545.2, NM_001437987.1).
Identifiers: ClinVar variation 1053979 (VCV001053979.8), dbSNP rs1229558471, ClinGen allele CA626725523.
Genomic context (GRCh38, chr17:58,362,539, plus strand): 5'-CTCCCTAACCACCCACCCACACACACGCACACGTTCACCGCCGCCAAAGACCCCACACTG[C>A]TCACCGGCCTGCTGTGGCGGGGGCGGCACCGGATGCGCAGCACCGAAGCCAGGATGATCA-3'

ClinVar aggregate classification (germline): Uncertain significance. Review status: criteria provided, multiple submitters, no conflicts (2 of 4 stars). 2 submissions from 2 submitters: Uncertain significance (2). Last evaluated 2025-04-11.

Allele frequency attached by ClinVar (database versions not stated): gnomAD exomes 0.00001.

Submissions (2):

Ambry Genetics
Classification: Uncertain significance. Last evaluated: 2025-04-11. Review status: criteria provided, single submitter. Criteria: Ambry Variant Classification Scheme 2023. Collection method: clinical testing. Allele origin: germline.
Comment: The c.687+5G>T intronic variant results from a G to T substitution 5 nucleotides after coding exon 5 in the RNF43 gene. This nucleotide position is highly conserved in available vertebrate species. In silico splice site analysis predicts that this alteration will weaken the native splice donor site and may result in the creation or strengthening of a novel splice donor site. The evidence for this gene-disease relationship is limited; therefore, the clinical significance of this alteration is unclear.

Labcorp Genetics (formerly Invitae), Labcorp
Classification: Uncertain significance. Last evaluated: 2022-06-20. Review status: criteria provided, single submitter. Criteria: Invitae Variant Classification Sherloc (09022015). Collection method: clinical testing. Allele origin: germline.
Comment: This sequence change falls in intron 6 of the RNF43 gene. It does not directly change the encoded amino acid sequence of the RNF43 protein. It affects a nucleotide within the consensus splice site. The frequency data for this variant in the population databases is considered unreliable, as metrics indicate poor data quality at this position in the gnomAD database. This variant has not been reported in the literature in individuals affected with RNF43-related conditions. ClinVar contains an entry for this variant (Variation ID: 1053979). Variants that disrupt the consensus splice site are a relatively common cause of aberrant splicing (PMID: 17576681, 9536098). Algorithms developed to predict the effect of sequence changes on RNA splicing suggest that this variant may disrupt the consensus splice site. In summary, the available evidence is currently insufficient to determine the role of this variant in disease. Therefore, it has been classified as a Variant of Uncertain Significance.

Literature cited by the submitters: PubMed 17576681 (cited by Labcorp Genetics (formerly Invitae), Labcorp); PubMed 9536098 (cited by Labcorp Genetics (formerly Invitae), Labcorp).